The following is an entry in ClinVar:

ClinVar aggregate classification (germline): Conflicting classifications of pathogenicity. Review status: criteria provided, conflicting classifications (1 of 4 stars). 5 submissions from 5 submitters: Uncertain significance (1); Likely benign (4). Last evaluated 2026-01-26.

Conditions:
Immunodeficiency-centromeric instability-facial anomalies syndrome 4 (ICF4). Identifiers: Orphanet 2268, MedGen C4310798, MONDO:0014829, OMIM 616911.
Inborn genetic diseases. Identifiers: MedGen C0950123, MeSH D030342.

Allele frequency attached by ClinVar (database versions not stated): gnomAD exomes 0.00019 and 0.00054; ExAC 0.00063; ESP Exome Variant Server 0.00169; gnomAD 0.00194 and 0.00211; TOPMed 0.00205; 1000 Genomes Project 30x 0.00234; 1000 Genomes Project 0.00300.
gnomAD v4.1: 584 of 1,613,696 alleles (0.036%); highest among the groups gnomAD compares: African/African-American, 0.64%; 4 homozygotes.

Submissions (5):

Labcorp Genetics (formerly Invitae), Labcorp
Classification: Likely benign. Last evaluated: 2026-01-26. Review status: criteria provided, single submitter. Criteria: Invitae Variant Classification Sherloc (09022015). Collection method: clinical testing. Allele origin: germline.

Ambry Genetics
Classification: Likely benign for Inborn genetic diseases. Last evaluated: 2025-05-16. Review status: criteria provided, single submitter. Criteria: Ambry Variant Classification Scheme 2023. Collection method: clinical testing. Allele origin: germline.

Blueprint Genetics
Classification: Likely benign. Last evaluated: 2024-11-25. Review status: criteria provided, single submitter. Criteria: ACMG Guidelines, 2015. Collection method: clinical testing. Allele origin: germline.

Center for Genomics, Ann and Robert H. Lurie Children's Hospital of Chicago
Classification: Uncertain significance for Immunodeficiency-centromeric instability-facial anomalies syndrome 4. Last evaluated: 2022-06-03. Review status: criteria provided, single submitter. Criteria: ACMG Guidelines, 2015. Collection method: clinical testing. Allele origin: germline.
Comment: This variant has not been reported in the literature but is present in the Genome Aggregation Database (Highest reported MAF 0.6% (271/41466) including 1 homozygote. This variant is present in ClinVar (Variation ID:768380). This variant amino acid Valine (Val) is present in several species including multiple mammals and is not well conserved among evolutionarily distant species; this suggests that this variant may not impact the protein. Additional computational prediction tools do not suggest an impact. In summary, data on this variant is insufficient for disease classification. Therefore, the clinical significance of this variant is uncertain.

Breakthrough Genomics
Classification: Likely benign. Review status: criteria provided, single submitter. Criteria: ACMG Guidelines, 2015. Collection method: not provided. Allele origin: germline. Inheritance: Autosomal recessive inheritance. Affected: yes.

NM_018063.5(HELLS):c.2182A>G (p.Ile728Val)

Gene: HELLS (helicase, lymphoid specific; plus strand). Cytogenetic location: 10q23.33.
Variant type: single nucleotide variant.
Coding change: c.2182A>G on transcript NM_018063.5 (MANE Select); coding-DNA position 2182, A replaced by G.
Protein change: p.Ile728Val; replaces isoleucine 728 with valine.
Molecular consequence: missense variant.
Genome position (GRCh38, 1-based): chr10:94,594,788, A>G. VCF-style: chr10-94594788-A-G. GRCh37 (hg19) VCF-style: chr10-96354545-A-G.
Other names: c.2320A>G, p.Ile774Val (NM_001289067.2); c.2134A>G, p.Ile712Val (NM_001289068.2); c.2086A>G, p.Ile696Val (NM_001289069.2); c.1888A>G, p.Ile630Val (NM_001289070.2); c.1810A>G, p.Ile604Val (NM_001289071.2); c.1792A>G, p.Ile598Val (NM_001289072.2); c.1768A>G, p.Ile590Val (NM_001289073.2); c.1099A>G, p.Ile367Val (NM_001289074.2); and 2 more; short protein forms I590V, I604V, I630V, I728V, I774V, I696V, I322V, I367V.
Identifiers: ClinVar variation 768380 (VCV000768380.14), dbSNP rs116043383, ClinGen allele CA5615666.
Genomic context (GRCh38, chr10:94,594,788, plus strand): 5'-TGTCATAGAATTGGTCAGACAAAGCCAGTTGTTGTTTATCGCCTTGTTACAGCAAATACT[A>G]TCGATCAGAAAATTGTGGAAAGAGCAGCTGCTAAAAGGAAACTGGAAAAGTTGATCATCC-3'
Protein context (NP_060533.2, residues 718-738): VVYRLVTANT[Ile728Val]DQKIVERAAA